The following is an entry in ClinVar:

ClinVar aggregate classification (germline): Uncertain significance (1 of 4 stars; one submission).

Submission:

Labcorp Genetics (formerly Invitae), Labcorp
Classification: Uncertain significance. Last evaluated: 2023-10-16. Review status: criteria provided, single submitter. Criteria: Invitae Variant Classification Sherloc (09022015). Collection method: clinical testing. Allele origin: germline.
Comment: This sequence change replaces aspartic acid, which is acidic and polar, with histidine, which is basic and polar, at codon 1351 of the ERBIN protein (p.Asp1351His). This variant is not present in population databases (gnomAD no frequency). This variant has not been reported in the literature in individuals affected with ERBIN-related conditions. ClinVar contains an entry for this variant (Variation ID: 1435313). An algorithm developed to predict the effect of missense changes on protein structure and function (PolyPhen-2) suggests that this variant is likely to be disruptive. In summary, the available evidence is currently insufficient to determine the role of this variant in disease. Therefore, it has been classified as a Variant of Uncertain Significance.

NM_001253697.2(ERBIN):c.4051G>C (p.Asp1351His)

Gene: ERBIN (erbb2 interacting protein; plus strand). Cytogenetic location: 5q12.3.
Variant type: single nucleotide variant.
Coding change: c.4051G>C on transcript NM_001253697.2 (MANE Select); coding-DNA position 4051, G replaced by C.
Protein change: p.Asp1351His; replaces aspartic acid 1351 with histidine.
Molecular consequence: missense variant.
Genome position (GRCh38, 1-based): chr5:66,076,403, G>C. VCF-style: chr5-66076403-G-C. GRCh37 (hg19) VCF-style: chr5-65372231-G-C.
Other names: c.3721G>C, p.Asp1241His (NM_001006600.3); c.3928G>C, p.Asp1310His (NM_001253698.2, NM_018695.4); c.4072G>C, p.Asp1358His (NM_001253699.2); c.3916G>C, p.Asp1306His (NM_001253701.2); short protein forms D1241H, D1310H, D1351H, D1358H, D1306H.
Identifiers: ClinVar variation 1435313 (VCV001435313.8), dbSNP rs2151309315, ClinGen allele CA359871541.